The following is an entry in ClinVar:

ClinVar aggregate classification (germline): Conflicting classifications of pathogenicity. Review status: criteria provided, conflicting classifications (1 of 4 stars). 2 submissions from 2 submitters: Uncertain significance (1); Likely benign (1). Last evaluated 2026-08-05.

Conditions:
Hereditary cancer-predisposing syndrome. Also called: Hereditary Cancer Syndrome; Hereditary neoplastic syndrome; Neoplastic Syndromes, Hereditary; Tumor predisposition. Identifiers: Orphanet 140162, MedGen C0027672, MeSH D009386, MONDO:0015356.
Renal cell carcinoma. Identifiers: Orphanet 217071, MedGen C0007134, MeSH D002292, MONDO:0005086, HP:0005584.

Allele frequency attached by ClinVar (database versions not stated): gnomAD exomes below 0.00001; TOPMed below 0.00001; ExAC 0.00001.
gnomAD v4.1: 1 of 1,613,622 alleles (0.000062%); highest among the groups gnomAD compares: Non-Finnish European, 0.000085%; no homozygotes.

Submissions (2):

Ambry Genetics
Classification: Likely benign for Hereditary cancer-predisposing syndrome. Last evaluated: 2026-08-05. Review status: criteria provided, single submitter. Criteria: Ambry Variant Classification Scheme 2023. Collection method: clinical testing. Allele origin: germline.

Labcorp Genetics (formerly Invitae), Labcorp
Classification: Uncertain significance for Renal cell carcinoma. Last evaluated: 2025-06-24. Review status: criteria provided, single submitter. Criteria: Invitae Variant Classification Sherloc (09022015). Collection method: clinical testing. Allele origin: germline.
Comment: This sequence change replaces asparagine, which is neutral and polar, with serine, which is neutral and polar, at codon 631 of the MET protein (p.Asn631Ser). This variant is present in population databases (rs780287516, gnomAD 0.0009%). This variant has not been reported in the literature in individuals affected with MET-related conditions. ClinVar contains an entry for this variant (Variation ID: 2877774). An algorithm developed to predict the effect of missense changes on protein structure and function outputs the following: PolyPhen-2: "Benign". The serine amino acid residue is found in multiple mammalian species, which suggests that this missense change does not adversely affect protein function. In summary, the available evidence is currently insufficient to determine the role of this variant in disease. Therefore, it has been classified as a Variant of Uncertain Significance.

NM_000245.4(MET):c.1892A>G (p.Asn631Ser)

Gene: MET (MET proto-oncogene, receptor tyrosine kinase; plus strand). Cytogenetic location: 7q31.2.
Variant type: single nucleotide variant.
Coding change: c.1892A>G on transcript NM_000245.4 (MANE Select); coding-DNA position 1892, A replaced by G.
Protein change: p.Asn631Ser; replaces asparagine 631 with serine.
Molecular consequence: missense variant.
Genome position (GRCh38, 1-based): chr7:116,757,466, A>G. VCF-style: chr7-116757466-A-G. GRCh37 (hg19) VCF-style: chr7-116397520-A-G.
Other names: c.1892A>G, p.Asn631Ser (NM_001127500.3, NM_001324401.3); c.602A>G, p.Asn201Ser (NM_001324402.2); short protein forms N201S, N631S.
Identifiers: ClinVar variation 2877774 (VCV002877774.4), dbSNP rs780287516, ClinGen allele CA4448316.